The following is an entry in ClinVar:

NM_015378.4(VPS13D):c.12169C>T (p.Leu4057Phe)

Gene: VPS13D (vacuolar protein sorting 13 homolog D; plus strand). Cytogenetic location: 1p36.22.
Variant type: single nucleotide variant.
Coding change: c.12169C>T on transcript NM_015378.4 (MANE Select); coding-DNA position 12169, C replaced by T.
Protein change: p.Leu4057Phe; replaces leucine 4057 with phenylalanine.
Molecular consequence: missense variant.
Genome position (GRCh38, 1-based): chr1:12,416,663, C>T. VCF-style: chr1-12416663-C-T. GRCh37 (hg19) VCF-style: chr1-12476716-C-T.
Other names: c.12094C>T, p.Leu4032Phe (NM_018156.4); short protein forms L4032F, L4057F.
Identifiers: ClinVar variation 1403895 (VCV001403895.8), dbSNP rs748461575, ClinGen allele CA604161.
Genomic context (GRCh38, chr1:12,416,663, plus strand): 5'-ATCTGCAAATATAAGTAGATGCTGATTGGACTTTTCTCTTCCTGTTCCATTTGGCAGGAA[C>T]TCCTCAGCCAGGCAGCTCGAATCCTGGGATCAGTGGATTTTCTTGGCAATCCTATGGGGC-3'
Protein context (NP_056193.2, residues 4047-4067): NDILKHFQEE[Leu4057Phe]LSQAARILGS

ClinVar aggregate classification (germline): Uncertain significance (1 of 4 stars; one submission).

Allele frequency attached by ClinVar (database versions not stated): gnomAD 0.00001; TOPMed 0.00002; ExAC 0.00004; gnomAD exomes 0.00004 and 0.00009.
gnomAD v4.1: 28 of 1,612,382 alleles (0.0017%); highest among the groups gnomAD compares: Admixed American, 0.042%; no homozygotes.

Submission:

Labcorp Genetics (formerly Invitae), Labcorp
Classification: Uncertain significance. Last evaluated: 2025-06-24. Review status: criteria provided, single submitter. Criteria: Invitae Variant Classification Sherloc (09022015). Collection method: clinical testing. Allele origin: germline.
Comment: This sequence change replaces leucine, which is neutral and non-polar, with phenylalanine, which is neutral and non-polar, at codon 4057 of the VPS13D protein (p.Leu4057Phe). This variant is present in population databases (rs748461575, gnomAD 0.06%), including at least one homozygous and/or hemizygous individual. This variant has not been reported in the literature in individuals affected with VPS13D-related conditions. ClinVar contains an entry for this variant (Variation ID: 1403895). Invitae Evidence Modeling of protein sequence and biophysical properties (such as structural, functional, and spatial information, amino acid conservation, physicochemical variation, residue mobility, and thermodynamic stability) indicates that this missense variant is expected to disrupt VPS13D protein function with a positive predictive value of 80%. In summary, the available evidence is currently insufficient to determine the role of this variant in disease. Therefore, it has been classified as a Variant of Uncertain Significance.